The following is an entry in ClinVar:

ClinVar aggregate classification (germline): Uncertain significance (1 of 4 stars; one submission).

Submission:

GeneDx
Classification: Uncertain significance. Last evaluated: 2024-10-31. Review status: criteria provided, single submitter. Criteria: GeneDx Variant Classification Process June 2021. Collection method: clinical testing. Allele origin: germline. Affected: yes.
Comment: Not observed at significant frequency in large population cohorts (gnomAD); In silico analysis supports that this missense variant has a deleterious effect on protein structure/function; Has not been previously published as pathogenic or benign to our knowledge

NM_006914.4(RORB):c.1106C>A (p.Ser369Tyr)

Gene: RORB (RAR related orphan receptor B; plus strand). Cytogenetic location: 9q21.13.
Variant type: single nucleotide variant.
Coding change: c.1106C>A on transcript NM_006914.4 (MANE Select); coding-DNA position 1106, C replaced by A.
Protein change: p.Ser369Tyr; replaces serine 369 with tyrosine.
Molecular consequence: missense variant.
Genome position (GRCh38, 1-based): chr9:74,667,896, C>A. VCF-style: chr9-74667896-C-A. GRCh37 (hg19) VCF-style: chr9-77282812-C-A.
Other names: c.1139C>A, p.Ser380Tyr (NM_001365023.1); short protein forms S369Y, S380Y.
Identifiers: ClinVar variation 3897469 (VCV003897469.1).
Genomic context (GRCh38, chr9:74,667,896, plus strand): 5'-TGTGTTCCTTGCAGCTGACCGAGGAGGAGATCGCTTTGTTCTCATCTGCTGTTCTGATAT[C>A]TCCAGGTAGGGCAGTCTCAGTTCTCTTACCTTTTTAAAAAACTTGTTTTACTATTTTTAA-3'
Protein context (NP_008845.2, residues 359-379): IALFSSAVLI[Ser369Tyr]PDRAWLIEPR